The following is an entry in ClinVar:

NM_004168.4(SDHA):c.1718_1724del (p.Leu573fs)

Gene: SDHA (succinate dehydrogenase complex flavoprotein subunit A; plus strand). Cytogenetic location: 5p15.33.
Variant type: Deletion.
Coding change: c.1718_1724del on transcript NM_004168.4 (MANE Select); coding-DNA positions 1718 to 1724, 7 bases deleted (TGTGTGC; older notation c.1718_1724delTGTGTGC).
Protein change: p.Leu573fs; shifts the reading frame from leucine 573.
Molecular consequence: frameshift variant. On other transcripts: intron variant (1).
Genome position (GRCh38, 1-based): chr5:251,392-251,398, TGTGTGC deleted; deleting any 7 consecutive bases within chr5:251,389-251,398 gives the same sequence; the c. name uses the placement nearest the transcript's 3' end. VCF-style (leftmost placement, unchanged base first): chr5-251388-ATGCTGTG-A. GRCh37 (hg19) VCF-style: chr5-251503-ATGCTGTG-A.
Other names: c.1574_1580del, p.Leu525fs (NM_001294332.2); c.1552-3001_1552-2995del (NM_001330758.2); short protein forms L573fs, L525fs.
Identifiers: ClinVar variation 4161185 (VCV004161185.1).
Genomic context (GRCh38, chr5:251,388, plus strand): 5'-GTGTCCCCAGGAATGGTCTGGAACACGGACCTGGTGGAGACCCTGGAGCTGCAGAACCTG[ATGCTGTG>A]TGCGCTGCAGACCATCTACGGAGCAGAGGCACGGAAGGAGTCACGGGGCGCGCATGCCAG-3'

ClinVar aggregate classification (germline): Pathogenic (1 of 4 stars; one submission).

Conditions:
Hereditary cancer-predisposing syndrome. Also called: Neoplastic Syndromes, Hereditary; Tumor predisposition; Hereditary Cancer Syndrome; Hereditary neoplastic syndrome. Identifiers: Orphanet 140162, MedGen C0027672, MeSH D009386, MONDO:0015356.

Submission:

Ambry Genetics
Classification: Pathogenic for Hereditary cancer-predisposing syndrome. Last evaluated: 2025-07-16. Review status: criteria provided, single submitter. Criteria: Ambry Variant Classification Scheme 2023. Collection method: clinical testing. Allele origin: germline.
Comment: The c.1718_1724delTGTGTGC pathogenic mutation, located in coding exon 13 of the SDHA gene, results from a deletion of 7 nucleotides at nucleotide positions 1718 to 1724, causing a translational frameshift with a predicted alternate stop codon (p.L573Rfs*70). This alteration occurs at the 3' terminus of SDHA gene, is not expected to trigger nonsense-mediated mRNA decay, and impacts the last 13% of the protein. However, premature stop codons are typically deleterious in nature, the impacted region is critical for protein function, and a significant portion of the protein is affected (Ambry internal data). This variant is considered to be rare based on population cohorts in the Genome Aggregation Database (gnomAD). Based on the supporting evidence, this variant is interpreted as a disease-causing mutation.